The following is an entry in ClinVar:

ClinVar aggregate classification (germline): Likely benign. Review status: criteria provided, multiple submitters, no conflicts (2 of 4 stars). 4 submissions from 4 submitters: Likely benign (3). 1 of the submissions does not count toward it. Last evaluated 2025-12-07.

Conditions:
COQ2-related disorder. Also called: COQ2-related condition.

Allele frequency attached by ClinVar (database versions not stated): TOPMed 0.00003; ExAC 0.00005; gnomAD 0.00005; 1000 Genomes Project 0.00020; 1000 Genomes Project 30x 0.00047.
gnomAD v4.1: 26 of 1,573,966 alleles (0.0017%); highest among the groups gnomAD compares: East Asian, 0.052%; no homozygotes.

Submissions (4):

Mayo Clinic Laboratories, Mayo Clinic
Classification: Likely benign. Last evaluated: 2025-12-07. Review status: criteria provided, single submitter. Criteria: ACMG Guidelines, 2015. Collection method: clinical testing. Allele origin: germline. Observed: 1 variant allele.
Comment: BP4, BP7

Labcorp Genetics (formerly Invitae), Labcorp
Classification: Likely benign. Last evaluated: 2025-09-07. Review status: criteria provided, single submitter. Criteria: Invitae Variant Classification Sherloc (09022015). Collection method: clinical testing. Allele origin: germline.

Blueprint Genetics
Classification: Likely benign. Last evaluated: 2024-05-03. Review status: criteria provided, single submitter. Criteria: ACMG Guidelines, 2015. Collection method: clinical testing. Allele origin: germline.

PreventionGenetics, part of Exact Sciences
Classification: Likely benign for COQ2-related condition. Last evaluated: 2019-08-20. Review status: no assertion criteria provided. Collection method: clinical testing. Allele origin: germline. Not counted in ClinVar's aggregate classification.
Comment: This variant is classified as likely benign based on ACMG/AMP sequence variant interpretation guidelines (Richards et al. 2015 PMID: 25741868, with internal and published modifications).

NM_001358921.2(COQ2):c.219G>T (p.Pro73=)

Genes: COQ2 (coenzyme Q2, polyprenyltransferase; minus strand), LOC112997540 (Sharpr-MPRA regulatory region 13773; plus strand). Cytogenetic location: 4q21.23.
Variant type: single nucleotide variant.
Coding change: c.219G>T on transcript NM_001358921.2 (MANE Select); coding-DNA position 219, G replaced by T.
Protein change: p.Pro73=; no amino-acid change (proline 73 retained).
Molecular consequence: synonymous variant.
Genome position (GRCh38, 1-based): chr4:83,284,546, C>A on the plus strand (G>T on the coding strand, the complement: COQ2 is on the minus strand). VCF-style: chr4-83284546-C-A. GRCh37 (hg19) VCF-style: chr4-84205699-C-A.
Other names: p.Pro123=; c.369G>T, p.Pro123= (NM_015697.9); c.369G>T (NM_015697.7, NM_015697.8).
Identifiers: ClinVar variation 1900531 (VCV001900531.9), dbSNP rs549493176, ClinGen allele CA2988655.